The following is an entry in ClinVar:

ClinVar aggregate classification (germline): Uncertain significance. Review status: criteria provided, single submitter (1 of 4 stars). 2 submissions from 2 submitters: Uncertain significance (1). 1 of the submissions does not count toward it. Last evaluated 2021-08-24.

Conditions:
Maple syrup urine disease (MSUD). Identifiers: Orphanet 511, MedGen C0024776, MeSH D008375, MONDO:0009563. Disease mechanism: loss of function.
Maple syrup urine disease type 1A (MSUD1A). Also called: MSUD type 1A. Identifiers: MedGen C1855369, MONDO:0023691, OMIM 248600.

Allele frequency attached by ClinVar (database versions not stated): ExAC 0.00002; TOPMed 0.00002; ESP Exome Variant Server 0.00008.
gnomAD v4.1: 5 of 1,614,022 alleles (0.00031%); highest among the groups gnomAD compares: African/African-American, 0.0053%; no homozygotes.

Submissions (2):

Labcorp Genetics (formerly Invitae), Labcorp
Classification: Uncertain significance for Maple syrup urine disease. Last evaluated: 2021-08-24. Review status: criteria provided, single submitter. Criteria: Invitae Variant Classification Sherloc (09022015). Collection method: clinical testing. Allele origin: germline.
Comment: This sequence change replaces arginine with cysteine at codon 15 of the BCKDHA protein (p.Arg15Cys). The arginine residue is weakly conserved and there is a large physicochemical difference between arginine and cysteine. This variant is present in population databases (rs371408960, ExAC 0.02%). This variant has not been reported in the literature in individuals affected with BCKDHA-related conditions. Algorithms developed to predict the effect of missense changes on protein structure and function (SIFT, PolyPhen-2, Align-GVGD) all suggest that this variant is likely to be tolerated. In summary, the available evidence is currently insufficient to determine the role of this variant in disease. Therefore, it has been classified as a Variant of Uncertain Significance.

Natera, Inc.
Classification: Uncertain significance for Maple syrup urine disease type 1A. Last evaluated: 2020-02-13. Review status: no assertion criteria provided. Collection method: clinical testing. Allele origin: germline. Not counted in ClinVar's aggregate classification.

NM_000709.4(BCKDHA):c.43C>T (p.Arg15Cys)

Gene: BCKDHA (branched chain keto acid dehydrogenase E1 subunit alpha; plus strand). Cytogenetic location: 19q13.2.
Variant type: single nucleotide variant.
Coding change: c.43C>T on transcript NM_000709.4 (MANE Select); coding-DNA position 43, C replaced by T.
Protein change: p.Arg15Cys; replaces arginine 15 with cysteine.
Molecular consequence: missense variant.
Genome position (GRCh38, 1-based): chr19:41,397,870, C>T. VCF-style: chr19-41397870-C-T. GRCh37 (hg19) VCF-style: chr19-41903775-C-T.
Other names: c.43C>T, p.Arg15Cys (NM_001164783.2); short protein forms R15C.
Identifiers: ClinVar variation 970887 (VCV000970887.4), dbSNP rs371408960, ClinGen allele CA9460969.